The following is an entry in ClinVar:

ClinVar aggregate classification (germline): Uncertain significance (1 of 4 stars; one submission).

Submission:

Labcorp Genetics (formerly Invitae), Labcorp
Classification: Uncertain significance. Last evaluated: 2023-11-10. Review status: criteria provided, single submitter. Criteria: Invitae Variant Classification Sherloc (09022015). Collection method: clinical testing. Allele origin: germline.
Comment: This sequence change replaces alanine, which is neutral and non-polar, with aspartic acid, which is acidic and polar, at codon 369 of the TNFAIP3 protein (p.Ala369Asp). This variant is not present in population databases (gnomAD no frequency). This variant has not been reported in the literature in individuals affected with TNFAIP3-related conditions. Advanced modeling of protein sequence and biophysical properties (such as structural, functional, and spatial information, amino acid conservation, physicochemical variation, residue mobility, and thermodynamic stability) performed at Invitae indicates that this missense variant is not expected to disrupt TNFAIP3 protein function with a negative predictive value of 80%. In summary, the available evidence is currently insufficient to determine the role of this variant in disease. Therefore, it has been classified as a Variant of Uncertain Significance.

NM_001270508.2(TNFAIP3):c.1106C>A (p.Ala369Asp)

Gene: TNFAIP3 (TNF alpha induced protein 3; plus strand). Cytogenetic location: 6q23.3.
Variant type: single nucleotide variant.
Coding change: c.1106C>A on transcript NM_001270508.2 (MANE Select); coding-DNA position 1106, C replaced by A.
Protein change: p.Ala369Asp; replaces alanine 369 with aspartic acid.
Molecular consequence: missense variant.
Genome position (GRCh38, 1-based): chr6:137,878,551, C>A. VCF-style: chr6-137878551-C-A. GRCh37 (hg19) VCF-style: chr6-138199688-C-A.
Other names: c.1106C>A, p.Ala369Asp (NM_006290.4, NM_001270507.2); short protein forms A369D.
Identifiers: ClinVar variation 2870867 (VCV002870867.3), dbSNP rs2114497240, ClinGen allele CA365788601.